The following is an entry in ClinVar:

NM_001352754.2(ARMC9):c.1466G>A (p.Arg489His)

Gene: ARMC9 (armadillo repeat containing 9; plus strand). Cytogenetic location: 2q37.1.
Variant type: single nucleotide variant.
Coding change: c.1466G>A on transcript NM_001352754.2 (MANE Select); coding-DNA position 1466, G replaced by A.
Protein change: p.Arg489His; replaces arginine 489 with histidine.
Molecular consequence: missense variant. On other transcripts: non-coding transcript variant (1).
Genome position (GRCh38, 1-based): chr2:231,276,767, G>A. VCF-style: chr2-231276767-G-A. GRCh37 (hg19) VCF-style: chr2-232141480-G-A.
Other names: c.1466G>A (NM_025139.5, NM_025139.3); c.1466G>A, p.Arg489His (NM_001271466.4, NM_001291656.2, NM_001352755.2 and 3 more transcripts); c.1367G>A, p.Arg456His (NM_001352757.2, NM_001352758.2); short protein forms R456H, R489H.
Identifiers: ClinVar variation 1433361 (VCV001433361.6), dbSNP rs998531981, ClinGen allele CA2160325.

ClinVar aggregate classification (germline): Uncertain significance. Review status: criteria provided, multiple submitters, no conflicts (2 of 4 stars). 4 submissions from 4 submitters: Uncertain significance (4). Last evaluated 2024-08-23.

Conditions:
Inborn genetic diseases. Identifiers: MedGen C0950123, MeSH D030342.

Allele frequency attached by ClinVar (database versions not stated): gnomAD 0.00001; TOPMed 0.00002; gnomAD exomes 0.00003 and 0.00005; ExAC 0.00004.
gnomAD v4.1: 47 of 1,613,862 alleles (0.0029%); highest among the groups gnomAD compares: Non-Finnish European, 0.0033%; no homozygotes.

Submissions (4):

Labcorp Genetics (formerly Invitae), Labcorp
Classification: Uncertain significance. Last evaluated: 2024-08-23. Review status: criteria provided, single submitter. Criteria: Invitae Variant Classification Sherloc (09022015). Collection method: clinical testing. Allele origin: germline.
Comment: This sequence change replaces arginine, which is basic and polar, with histidine, which is basic and polar, at codon 489 of the ARMC9 protein (p.Arg489His). This variant is present in population databases (no rsID available, gnomAD 0.01%). This variant has not been reported in the literature in individuals affected with ARMC9-related conditions. ClinVar contains an entry for this variant (Variation ID: 1433361). Experimental studies and prediction algorithms are not available or were not evaluated, and the functional significance of this variant is currently unknown. In summary, the available evidence is currently insufficient to determine the role of this variant in disease. Therefore, it has been classified as a Variant of Uncertain Significance.

GeneDx
Classification: Uncertain significance. Last evaluated: 2023-07-12. Review status: criteria provided, single submitter. Criteria: GeneDx Variant Classification Process June 2021. Collection method: clinical testing. Allele origin: germline. Affected: yes.
Comment: Not observed at significant frequency in large population cohorts (gnomAD); In silico analysis supports that this missense variant has a deleterious effect on protein structure/function; Has not been previously published as pathogenic or benign to our knowledge

Ambry Genetics
Classification: Uncertain significance for Inborn genetic diseases. Last evaluated: 2022-06-24. Review status: criteria provided, single submitter. Criteria: Ambry Variant Classification Scheme 2023. Collection method: clinical testing. Allele origin: germline.

Blueprint Genetics
Classification: Uncertain significance. Last evaluated: 2019-05-13. Review status: criteria provided, single submitter. Criteria: ACMG Guidelines, 2015. Collection method: clinical testing. Allele origin: germline.